The following is an entry in ClinVar:

ClinVar aggregate classification (germline): Conflicting classifications of pathogenicity. Review status: criteria provided, conflicting classifications (1 of 4 stars). 2 submissions from 2 submitters: Likely pathogenic (1); Uncertain significance (1). Last evaluated 2023-11-16.

Conditions:
Renal cysts and diabetes syndrome (RCAD). Also called: Familial hypoplastic, glomerulocystic kidney; MATURITY-ONSET DIABETES OF THE YOUNG, TYPE 5. Identifiers: Orphanet 93111, MedGen C0431693, MONDO:0007669, OMIM 137920.

Submissions (2):

GeneDx
Classification: Uncertain significance. Last evaluated: 2023-11-16. Review status: criteria provided, single submitter. Criteria: GeneDx Variant Classification Process June 2021. Collection method: clinical testing. Allele origin: germline. Affected: yes.
Comment: Reported in a patient with MODY in published literature; clinical information was not available for review (PMID: 28420700); Not observed at significant frequency in large population cohorts (gnomAD); In silico analysis supports that this missense variant has a deleterious effect on protein structure/function; This variant is associated with the following publications: (PMID: 17924661, 28420700)

Institute of Human Genetics, FAU Erlangen, Friedrich-Alexander-Universität Erlangen-Nürnberg
Classification: Likely pathogenic for Renal cysts and diabetes syndrome. Last evaluated: 2019-07-06. Review status: criteria provided, single submitter. Criteria: ACMG Guidelines, 2015. Collection method: literature only. Allele origin: germline. Affected: yes.
Comment: This variant and it's classification has been reported by Vasileiou et al. 2019; DOI:10.1101/576918. The variants has previously been reported in PMID:28420700 as "c.781A>G,p.Arg261Gly" with clinical significance Likely pathogenic. It has been re-classified using InterVar and manual curation as Likely pathogenic based on PM1 PM2 PP3 PP5.

Literature cited by the submitters: PubMed 28420700 (cited by Institute of Human Genetics, FAU Erlangen, Friedrich-Alexander-Universität Erlangen-Nürnberg); DOI 10.1101/576918 (cited by Institute of Human Genetics, FAU Erlangen, Friedrich-Alexander-Universität Erlangen-Nürnberg).

NM_000458.4(HNF1B):c.781A>G (p.Arg261Gly)

Genes: HNF1B (HNF1 homeobox B; minus strand), LOC126862549 (BRD4-independent group 4 enhancer GRCh37_chr17:36093401-36094600; plus strand). Cytogenetic location: 17q12.
Variant type: single nucleotide variant.
Coding change: c.781A>G on transcript NM_000458.4 (MANE Select); coding-DNA position 781, A replaced by G.
Protein change: p.Arg261Gly; replaces arginine 261 with glycine.
Molecular consequence: missense variant.
Genome position (GRCh38, 1-based): chr17:37,733,585, T>C on the plus strand (A>G on the coding strand, the complement: HNF1B is on the minus strand). VCF-style: chr17-37733585-T-C. GRCh37 (hg19) VCF-style: chr17-36093578-T-C.
Other names: c.703A>G, p.Arg235Gly (NM_001165923.4, NM_001304286.2); short protein forms R261G, R235G.
Identifiers: ClinVar variation 635650 (VCV000635650.3), dbSNP rs2511808529, ClinGen allele CA398748031.
Genomic context (GRCh38, chr17:37,733,585, plus strand): 5'-CACCTGCCCAGGTGAGCTTCTGGTGGTGTTACCTGTTGCATTCCTCCACTAAGGCCTCTC[T>C]CTCTTCCTTGCTGGGGTTCTTTTGCCGATCGTAGGCCTGGTACAAGATTTGCTGGGACGC-3'
Protein context (NP_000449.1, residues 251-271): DRQKNPSKEE[Arg261Gly]EALVEECNRA